The following is an entry in ClinVar:

NM_020066.5(FMN2):c.2488C>A (p.Pro830Thr)

Gene: FMN2 (formin 2; plus strand). Cytogenetic location: 1q43.
Variant type: single nucleotide variant.
Coding change: c.2488C>A on transcript NM_020066.5 (MANE Select); coding-DNA position 2488, C replaced by A.
Protein change: p.Pro830Thr; replaces proline 830 with threonine.
Molecular consequence: missense variant. On other transcripts: intron variant (1).
Genome position (GRCh38, 1-based): chr1:240,207,300, C>A. VCF-style: chr1-240207300-C-A. GRCh37 (hg19) VCF-style: chr1-240370600-C-A.
Other names: c.2500C>A, p.Pro834Thr (NM_001305424.2); c.1986+19038C>A (NM_001348094.2); short protein forms P830T, P834T.
Identifiers: ClinVar variation 3363435 (VCV003363435.1).

ClinVar aggregate classification (germline): Uncertain significance (1 of 4 stars; one submission).

gnomAD v4.1: 76 of 1,613,750 alleles (0.0047%); highest among the groups gnomAD compares: Non-Finnish European, 0.0061%; no homozygotes.

Submission:

GeneDx
Classification: Uncertain significance. Last evaluated: 2023-10-31. Review status: criteria provided, single submitter. Criteria: GeneDx Variant Classification Process June 2021. Collection method: clinical testing. Allele origin: germline. Affected: yes.
Comment: In silico analysis supports that this missense variant does not alter protein structure/function; Has not been previously published as pathogenic or benign to our knowledge